The following is an entry in ClinVar:

NM_001134407.3(GRIN2A):c.3163del (p.Glu1055fs)

Gene: GRIN2A (glutamate ionotropic receptor NMDA type subunit 2A; minus strand). Cytogenetic location: 16p13.2.
Variant type: Deletion.
Coding change: c.3163del on transcript NM_001134407.3 (MANE Select); coding-DNA position 3163, one base deleted (G; older notation c.3163delG).
Protein change: p.Glu1055fs; shifts the reading frame from glutamic acid 1055.
Molecular consequence: frameshift variant.
Genome position (GRCh38, 1-based): chr16:9,764,381, C deleted on the plus strand (G on the coding strand, the reverse complement: GRIN2A is on the minus strand). VCF-style (leftmost placement, unchanged base first): chr16-9764380-TC-T. GRCh37 (hg19) VCF-style: chr16-9858237-TC-T.
Other names: c.3163del, p.Glu1055fs (NM_000833.5, NM_001134408.2); short protein forms E1055fs.
Identifiers: ClinVar variation 2713432 (VCV002713432.3), dbSNP rs2505968683, ClinGen allele CA2697555661.

ClinVar aggregate classification (germline): Pathogenic (1 of 4 stars; one submission).

Conditions:
Landau-Kleffner syndrome (FESD). Also called: APHASIA, ACQUIRED, WITH EPILEPSY; EPILEPSY, FOCAL, WITH SPEECH DISORDER AND WITH OR WITHOUT MENTAL RETARDATION. Identifiers: Orphanet 1945, Orphanet 725, Orphanet 98818, MedGen C0282512, MONDO:0009509, OMIM 245570.

Submission:

Labcorp Genetics (formerly Invitae), Labcorp
Classification: Pathogenic for Landau-Kleffner syndrome. Last evaluated: 2024-03-10. Review status: criteria provided, single submitter. Criteria: Invitae Variant Classification Sherloc (09022015). Collection method: clinical testing. Allele origin: germline.
Comment: This sequence change creates a premature translational stop signal (p.Glu1055Argfs*52) in the GRIN2A gene. While this is not anticipated to result in nonsense mediated decay, it is expected to disrupt the last 410 amino acid(s) of the GRIN2A protein. This variant is not present in population databases (gnomAD no frequency). This variant has not been reported in the literature in individuals affected with GRIN2A-related conditions. This premature translational stop signal has been observed in at least one individual who was not affected with GRIN2A-related conditions (Invitae). This variant disrupts a region of the GRIN2A protein in which other variant(s) (p.Ser1356Cys) have been determined to be pathogenic (Invitae). This suggests that this is a clinically significant region of the protein, and that variants that disrupt it are likely to be disease-causing. For these reasons, this variant has been classified as Pathogenic.